The following is an entry in ClinVar:

NM_001039469.3(MARK2):c.740C>T (p.Ser247Phe)

Gene: MARK2 (microtubule affinity regulating kinase 2; plus strand). Cytogenetic location: 11q13.1.
Variant type: single nucleotide variant.
Coding change: c.740C>T on transcript NM_001039469.3 (MANE Select); coding-DNA position 740, C replaced by T.
Protein change: p.Ser247Phe; replaces serine 247 with phenylalanine.
Molecular consequence: missense variant.
Genome position (GRCh38, 1-based): chr11:63,900,082, C>T. VCF-style: chr11-63900082-C-T. GRCh37 (hg19) VCF-style: chr11-63667554-C-T.
Other names: c.740C>T, p.Ser247Phe (NM_001163296.2, NM_001163297.2, NM_004954.5); c.641C>T, p.Ser214Phe (NM_017490.4); short protein forms S214F, S247F.
Identifiers: ClinVar variation 4845343 (VCV004845343.2).

ClinVar aggregate classification (germline): Uncertain significance (1 of 4 stars; one submission).

Conditions:
Intellectual developmental disorder, autosomal dominant 76. Identifiers: MedGen C6012756, MONDO:0979575, OMIM 621285.

Submission:

Victorian Clinical Genetics Services, Murdoch Childrens Research Institute
Classification: Uncertain significance for Intellectual developmental disorder, autosomal dominant 76. Last evaluated: 2026-03-05. Review status: criteria provided, single submitter. Criteria: ACMG Guidelines, 2015. Collection method: clinical testing. Allele origin: germline. Affected: yes.
Comment: This variant is classified as VUS-3A. Evidence in support of pathogenic classification: Variant is absent from gnomAD (v2, v3 and v4); Missense variant in a region that is highly intolerant to missense variation (high constraint region in DECIPHER); Missense variant predicted to be damaging by in silico tool(s) or highly conserved with a major amino acid change; Additional information: Variant is predicted to result in a missense amino acid change from Ser to Phe; This variant is heterozygous; This gene is associated with autosomal dominant disease; This variant has no previous evidence of pathogenicity; No published evidence of segregation with disease has been identified for this variant; No published functional evidence has been identified for this variant; No comparable missense variants have previous evidence for pathogenicity; Loss of function is a known mechanism of disease in this gene and is associated with autosomal dominant intellectual developmental disorder 76 (MIM#621285) (PMID: 39419027).

Literature cited by the submitters: PubMed 39419027.